The following is an entry in ClinVar:

ClinVar aggregate classification (germline): Uncertain significance. Review status: criteria provided, multiple submitters, no conflicts (2 of 4 stars). 2 submissions from 2 submitters: Uncertain significance (2). Last evaluated 2026-01-19.

Conditions:
Epileptic encephalopathy. Identifiers: MedGen C0543888, HP:0200134.

Allele frequency attached by ClinVar (database versions not stated): gnomAD exomes 0.00001; ExAC 0.00002; gnomAD 0.00012 and 0.00013; TOPMed 0.00020.
gnomAD v4.1: 28 of 1,588,496 alleles (0.0018%); highest among the groups gnomAD compares: African/African-American, 0.021%; no homozygotes.

Submissions (2):

Labcorp Genetics (formerly Invitae), Labcorp
Classification: Uncertain significance for Epileptic encephalopathy. Last evaluated: 2026-01-19. Review status: criteria provided, single submitter. Criteria: Invitae Variant Classification Sherloc (09022015). Collection method: clinical testing. Allele origin: germline.
Comment: This sequence change replaces glutamine, which is neutral and polar, with leucine, which is neutral and non-polar, at codon 632 of the FASN protein (p.Gln632Leu). The frequency data for this variant in the population databases is considered unreliable, as metrics indicate poor data quality at this position in the gnomAD database. This variant has not been reported in the literature in individuals affected with FASN-related conditions. ClinVar contains an entry for this variant (Variation ID: 1054929). An algorithm developed to predict the effect of missense changes on protein structure and function (PolyPhen-2) suggests that this variant is likely to be tolerated. In summary, the available evidence is currently insufficient to determine the role of this variant in disease. Therefore, it has been classified as a Variant of Uncertain Significance.

Ambry Genetics
Classification: Uncertain significance. Last evaluated: 2023-12-18. Review status: criteria provided, single submitter. Criteria: Ambry Variant Classification Scheme 2023. Collection method: clinical testing. Allele origin: germline.

NM_004104.5(FASN):c.1895A>T (p.Gln632Leu)

Gene: FASN (fatty acid synthase; minus strand). Cytogenetic location: 17q25.3.
Variant type: single nucleotide variant.
Coding change: c.1895A>T on transcript NM_004104.5 (MANE Select); coding-DNA position 1895, A replaced by T.
Protein change: p.Gln632Leu; replaces glutamine 632 with leucine.
Molecular consequence: missense variant.
Genome position (GRCh38, 1-based): chr17:82,089,702, T>A on the plus strand (A>T on the coding strand, the complement: FASN is on the minus strand). VCF-style: chr17-82089702-T-A. GRCh37 (hg19) VCF-style: chr17-80047578-T-A.
Other names: c.1895A>T (NM_004104.4); short protein forms Q632L.
Identifiers: ClinVar variation 1054929 (VCV001054929.8), dbSNP rs773304473, ClinGen allele CA8852983.
Genomic context (GRCh38, chr17:82,089,702, plus strand): 5'-GAGATGGTGACTGTGTCCTTGGAGTTGTGGCAGGCGGGCACCACGCCCGGGGGGCAGCGC[T>A]GTTTACACTCCTCCCAGGACAAGCCTATGGCAGAGCCAGCCTCAGAGGCTTAGCGTGGAC-3'
Protein context (NP_004095.4, residues 622-642): AVGLSWEECK[Gln632Leu]RCPPGVVPAC